The following is an entry in ClinVar:

ClinVar aggregate classification (germline): Likely pathogenic. Review status: reviewed by expert panel (3 of 4 stars). 2 submissions from 2 submitters: Likely pathogenic (1). 1 of the submissions does not count toward it. Last evaluated 2023-11-14.

Conditions:
T-B+ severe combined immunodeficiency due to JAK3 deficiency. Also called: SCID, autosomal recessive, T-negative/B-positive type; SCID, T CELL-NEGATIVE, B CELL-POSITIVE, NK CELL-NEGATIVE. Identifiers: Orphanet 35078, MedGen C1833275, MONDO:0010938, OMIM 600802.

Submissions (2):

ClinGen Severe Combined Immunodeficiency Variant Curation Expert Panel, ClinGen
Classification: Likely pathogenic for T-B+ severe combined immunodeficiency due to JAK3 deficiency. Last evaluated: 2023-11-14. Review status: reviewed by expert panel. Criteria: ClinGen SCID ACMG Specifications JAK3 V1.0.0. Collection method: curation. Allele origin: germline. Inheritance: Autosomal recessive inheritance.
Comment: The variant NM_000215.4(JAK3):c.2680+89G>A has been found in three individuals with T-B+NK- SCID. In three related consanguineous families, the disease phenotype segregated with the homozygous deep intronic variant in the proband, P3, and two affected relatives (PP1_moderate, PM3_supporting). In at least one of those patients, P3, with T-B+NK- SCID, whole exome sequencing was performed and STAT3 and STAT5 phosphorylation were found to be absent in B cells after stimulation with IL-21 (PMID:26769277, 3 points, PP4_moderate). The variant is absent from gnomAD (PM2_Supporting). Finally, the in silico predictor SpliceAI predicts that the deep intronic variant may impact splicing with a delta score of 0.30 (PP3). In summary, this variant meets criteria to be classified as Likely Pathogenic for autosomal recessive T-B+ severe combined immunodeficiency due to JAK3 deficiency based on the ACMG/AMP criteria applied, as specified by the ClinGen SCID VCEP: PP1_moderate, PM3_supporting, PP4_moderate, PP3, PM2_supporting (SCID VCEP Specifications Version 1).

Labcorp Genetics (formerly Invitae), Labcorp
Classification: Pathogenic for T-B+ severe combined immunodeficiency due to JAK3 deficiency. Last evaluated: 2022-08-31. Review status: criteria provided, single submitter. Criteria: Invitae Variant Classification Sherloc (09022015). Collection method: clinical testing. Allele origin: germline. Not counted in ClinVar's aggregate classification.
Comment: For these reasons, this variant has been classified as Pathogenic. Studies have shown that this variant results in partial intron inclusion and introduces a premature termination codon (PMID: 26769277). The resulting mRNA is expected to undergo nonsense-mediated decay. This variant has been observed in individual(s) with severe combined immune deficiency (PMID: 26769277). This variant is not present in population databases (gnomAD no frequency). This sequence change falls in intron 19 of the JAK3 gene. It does not directly change the encoded amino acid sequence of the JAK3 protein. RNA analysis indicates that this variant induces altered splicing and may result in an absent or disrupted protein product.

Literature cited by the submitters: PubMed 26769277 (cited by Labcorp Genetics (formerly Invitae), Labcorp).

NM_000215.4(JAK3):c.2680+89G>A

Gene: JAK3 (Janus kinase 3; minus strand). Cytogenetic location: 19p13.11.
Variant type: single nucleotide variant.
Coding change: c.2680+89G>A on transcript NM_000215.4 (MANE Select); 89 bases into the intron after coding-DNA position 2680, G replaced by A.
Molecular consequence: intron variant.
Genome position (GRCh38, 1-based): chr19:17,832,430, C>T on the plus strand (G>A on the coding strand, the complement: JAK3 is on the minus strand). VCF-style: chr19-17832430-C-T. GRCh37 (hg19) VCF-style: chr19-17943239-C-T.
Identifiers: ClinVar variation 2054022 (VCV002054022.5), dbSNP rs2514549046, ClinGen allele CA2580096763.